The following is an entry in ClinVar:

NM_000284.4(PDHA1):c.1157_1162del (p.Phe386_Lys387del)

Gene: PDHA1 (pyruvate dehydrogenase E1 subunit alpha 1; plus strand). Cytogenetic location: Xp22.12.
Variant type: Deletion.
Coding change: c.1157_1162del on transcript NM_000284.4 (MANE Select); coding-DNA positions 1157 to 1162, 6 bases deleted (TTAAGT; older notation c.1157_1162delTTAAGT).
Protein change: p.Phe386_Lys387del.
Molecular consequence: inframe deletion.
Genome position (GRCh38, 1-based): chrX:19,359,637-19,359,642, TTAAGT deleted; deleting any 6 consecutive bases within chrX:19,359,633-19,359,642 gives the same sequence; the c. name uses the placement nearest the transcript's 3' end. VCF-style (leftmost placement, unchanged base first): chrX-19359632-CAAGTTT-C. GRCh37 (hg19) VCF-style: chrX-19377750-CAAGTTT-C.
Other names: c.1271_1276del, p.Phe424_Lys425del (NM_001173454.2); c.1178_1183del, p.Phe393_Lys394del (NM_001173455.2); c.1064_1069del, p.Phe355_Lys356del (NM_001173456.2).
Identifiers: ClinVar variation 4070293 (VCV004070293.1).

ClinVar aggregate classification (germline): Pathogenic (0 of 4 stars; one submission).

Conditions:
Pyruvate dehydrogenase E1-alpha deficiency (PDHAD). Also called: ATAXIA, INTERMITTENT, WITH PYRUVATE DEHYDROGENASE DEFICIENCY; ATAXIA WITH LACTIC ACIDOSIS I; ATAXIA, INTERMITTENT, WITH ABNORMAL PYRUVATE METABOLISM; Ataxia, intermittent, with pyruvate dehydrogenase, or decarboxylase, deficiency. Identifiers: Orphanet 79243, MedGen C1839413, MONDO:0010717, OMIM 312170.

Submission:

PDHA1 Study Group, University Children’s Hospital, Paracelsus Medical University
Classification: Pathogenic for Pyruvate dehydrogenase E1-alpha deficiency. Last evaluated: 2024-10-15. Review status: no assertion criteria provided. Collection method: research. Allele origin: de novo. Affected: yes. Observed: 2 variant alleles.
Comment: The NM_000284.3:c.1157_1162del (p.Phe386_Lys387del) change is a deletion-insertion (delins) variant in PDHA1 gene. In total, 2 individuals were diagnosed with PDHA1-related Pyruvate dehydrogenase complex (PDHc) deficiency (MIM #312170). Among them, 1 case had confirmed de novo occurrence, and 1 was confirmed inherited. The variant has been reported in 2 published cases (PMIDs: Kim JH et al., Iran J Pediatr, 2019, 21914562). Last literature search: July 12, 2024. This variant is absent or extremely rare in population-based cohorts in the Genome Aggregation Database (gnomAD). Individuals harboring this variant presented with clinical features compatible with PDHA1-related PDHc deficiency. In summary, this variant meets criteria to be classified as pathogenic (P) for PDHA1-related PDHc deficiency based on the ACMG/AMP criteria applied: PVS1, PM2, PM7 (last assessment October 15, 2024).

Literature cited by the submitters: PubMed 21914562; DOI 10.1093/brain/awaf430.